The following is an entry in ClinVar:

ClinVar aggregate classification (germline): Benign/Likely benign. Review status: criteria provided, multiple submitters, no conflicts (2 of 4 stars). 3 submissions from 3 submitters: Benign (1); Likely benign (1). 1 of the submissions does not count toward it. Last evaluated 2026-09-01.

Conditions:
WDR37-related disorder. Also called: WDR37-related condition.

Allele frequency attached by ClinVar (database versions not stated): 1000 Genomes Project 30x 0.00094; 1000 Genomes Project 0.00120; gnomAD exomes 0.00228; TOPMed 0.00239; ESP Exome Variant Server 0.00246; ExAC 0.00249; gnomAD 0.00273.
gnomAD v4.1: 3,774 of 1,613,714 alleles (0.23%); highest among the groups gnomAD compares: Middle Eastern, 0.76%; 14 homozygotes.

Submissions (3):

CeGaT Center for Human Genetics Tuebingen
Classification: Likely benign. Last evaluated: 2026-09-01. Review status: criteria provided, single submitter. Criteria: CeGaT Center For Human Genetics Tuebingen Variant Classification Criteria Version 2. Collection method: clinical testing. Allele origin: germline. Affected: yes. Observed: 8 variant alleles.
Comment: WDR37: BP4, BP7, BS2

Mayo Clinic Laboratories, Mayo Clinic
Classification: Benign. Last evaluated: 2022-12-01. Review status: criteria provided, single submitter. Criteria: ACMG Guidelines, 2015. Collection method: clinical testing. Allele origin: germline. Observed: 3 variant alleles.
Comment: BS1, BS2, BP4, BP7

PreventionGenetics, part of Exact Sciences
Classification: Likely benign for WDR37-related condition. Last evaluated: 2021-09-22. Review status: no assertion criteria provided. Collection method: clinical testing. Allele origin: germline. Not counted in ClinVar's aggregate classification.
Comment: This variant is classified as likely benign based on ACMG/AMP sequence variant interpretation guidelines (Richards et al. 2015 PMID: 25741868, with internal and published modifications).

NM_014023.4(WDR37):c.531C>T (p.Ala177=)

Gene: WDR37 (WD repeat domain 37; plus strand). Cytogenetic location: 10p15.3.
Variant type: single nucleotide variant.
Coding change: c.531C>T on transcript NM_014023.4 (MANE Select); coding-DNA position 531, C replaced by T.
Protein change: p.Ala177=; no amino-acid change (alanine 177 retained).
Molecular consequence: synonymous variant.
Genome position (GRCh38, 1-based): chr10:1,084,537, C>T. VCF-style: chr10-1084537-C-T. GRCh37 (hg19) VCF-style: chr10-1130477-C-T.
Other names: p.Ala177=; c.531C>T (NM_014023.3).
Identifiers: ClinVar variation 2640274 (VCV002640274.26), dbSNP rs145160560, ClinGen allele CA5384001.